The following is an entry in ClinVar:

NM_002439.5(MSH3):c.2828A>T (p.Asp943Val)

Gene: MSH3 (mutS homolog 3; plus strand). Cytogenetic location: 5q14.1.
Variant type: single nucleotide variant.
Coding change: c.2828A>T on transcript NM_002439.5 (MANE Select); coding-DNA position 2828, A replaced by T.
Protein change: p.Asp943Val; replaces aspartic acid 943 with valine.
Molecular consequence: missense variant.
Genome position (GRCh38, 1-based): chr5:80,854,144, A>T. VCF-style: chr5-80854144-A-T. GRCh37 (hg19) VCF-style: chr5-80149963-A-T.
Other names: short protein forms D943V.
Identifiers: ClinVar variation 2010733 (VCV002010733.4), dbSNP rs1745876381, ClinGen allele CA360275482.

ClinVar aggregate classification (germline): Uncertain significance (1 of 4 stars; one submission).

gnomAD v4.1: 1 of 1,613,600 alleles (0.000062%); highest among the groups gnomAD compares: Non-Finnish European, 0.000085%; no homozygotes.

Submission:

Labcorp Genetics (formerly Invitae), Labcorp
Classification: Uncertain significance. Last evaluated: 2022-06-26. Review status: criteria provided, single submitter. Criteria: Invitae Variant Classification Sherloc (09022015). Collection method: clinical testing. Allele origin: germline.
Comment: In summary, the available evidence is currently insufficient to determine the role of this variant in disease. Therefore, it has been classified as a Variant of Uncertain Significance. Algorithms developed to predict the effect of missense changes on protein structure and function are either unavailable or do not agree on the potential impact of this missense change (SIFT: "Deleterious"; PolyPhen-2: "Probably Damaging"; Align-GVGD: "Class C0"). This variant has not been reported in the literature in individuals affected with MSH3-related conditions. This variant is not present in population databases (gnomAD no frequency). This sequence change replaces aspartic acid, which is acidic and polar, with valine, which is neutral and non-polar, at codon 943 of the MSH3 protein (p.Asp943Val).